The following is an entry in ClinVar:

NM_000492.4(CFTR):c.2963C>T (p.Pro988Leu)

Genes: CFTR (CF transmembrane conductance regulator; plus strand), CFTR-AS2 (CFTR antisense RNA 2; minus strand). Cytogenetic location: 7q31.2.
Variant type: single nucleotide variant.
Coding change: c.2963C>T on transcript NM_000492.4 (MANE Select); coding-DNA position 2963, C replaced by T.
Protein change: p.Pro988Leu; replaces proline 988 with leucine.
Molecular consequence: missense variant.
Genome position (GRCh38, 1-based): chr7:117,606,728, C>T. VCF-style: chr7-117606728-C-T. GRCh37 (hg19) VCF-style: chr7-117246782-C-T.
Other names: short protein forms P988L.
Identifiers: ClinVar variation 970881 (VCV000970881.7), dbSNP rs1792306616, ClinGen allele CA368989157.
Genomic context (GRCh38, chr7:117,606,728, plus strand): 5'-TTATAGGTGGGATTCTTAATAGATTCTCCAAAGATATAGCAATTTTGGATGACCTTCTGC[C>T]TCTTACCATATTTGACTTCATCCAGGTATGTAAAAATAAGTACCGTTAAGTATGTCTGTA-3'
Protein context (NP_000483.3, residues 978-998): KDIAILDDLL[Pro988Leu]LTIFDFIQLL

ClinVar aggregate classification (germline): Uncertain significance. Review status: criteria provided, multiple submitters, no conflicts (2 of 4 stars). 4 submissions from 4 submitters: Uncertain significance (3). 1 of the submissions does not count toward it. Last evaluated 2025-08-14.

Conditions:
CFTR-related disorder (CFTR-RD). Also called: CFTR-related disorders; CFTR-related condition. Identifiers: MedGen C5924204, MONDO:7770004.
Cystic fibrosis (CF). Also called: MUCOVISCIDOSIS. Identifiers: Orphanet 586, MedGen C0010674, MONDO:0009061, OMIM 219700. Disease mechanism: loss of function.

Allele frequency attached by ClinVar (database versions not stated): gnomAD exomes below 0.00001.
gnomAD v4.1: 2 of 1,587,492 alleles (0.00013%); highest among the groups gnomAD compares: Non-Finnish European, 0.00017%; no homozygotes.

Submissions (4):

Ambry Genetics
Classification: Uncertain significance for Cystic fibrosis. Last evaluated: 2025-08-14. Review status: criteria provided, single submitter. Criteria: Ambry Variant Classification Scheme 2023. Collection method: clinical testing. Allele origin: germline.
Comment: The p.P988L variant (also known as c.2963C>T), located in coding exon 18 of the CFTR gene, results from a C to T substitution at nucleotide position 2963. The proline at codon 988 is replaced by leucine, an amino acid with similar properties. This amino acid position is conserved. In addition, this alteration is predicted to be deleterious by in silico analysis. Since supporting evidence is limited at this time, the clinical significance of this alteration remains unclear.

Johns Hopkins Genomics, Johns Hopkins University
Classification: Uncertain significance for Cystic fibrosis. Last evaluated: 2022-07-23. Review status: criteria provided, single submitter. Criteria: ACMG Guidelines, 2015. Collection method: clinical testing. Allele origin: germline.
Comment: This CFTR variant (rs1792306616) is absent from a large population dataset and has not been reported in the literature, to our knowledge. This variant has been reported in ClinVar. Three bioinformatic tools queried predict that this substitution would be damaging and the proline residue at this position is evolutionarily conserved across all species assessed. We consider the clinical significance of CFTR c.2963C>T to be uncertain at this time.

Labcorp Genetics (formerly Invitae), Labcorp
Classification: Uncertain significance for Cystic fibrosis. Last evaluated: 2021-08-24. Review status: criteria provided, single submitter. Criteria: Invitae Variant Classification Sherloc (09022015). Collection method: clinical testing. Allele origin: germline.
Comment: This sequence change replaces proline with leucine at codon 988 of the CFTR protein (p.Pro988Leu). The proline residue is highly conserved and there is a moderate physicochemical difference between proline and leucine. This variant is not present in population databases (ExAC no frequency). This variant has not been reported in the literature in individuals affected with CFTR-related conditions. Algorithms developed to predict the effect of missense changes on protein structure and function are either unavailable or do not agree on the potential impact of this missense change (SIFT: "Deleterious"; PolyPhen-2: "Possibly Damaging"; Align-GVGD: "Class C15"). In summary, the available evidence is currently insufficient to determine the role of this variant in disease. Therefore, it has been classified as a Variant of Uncertain Significance.

Natera, Inc.
Classification: Uncertain significance for CFTR-related disorders. Last evaluated: 2019-01-15. Review status: no assertion criteria provided. Collection method: clinical testing. Allele origin: germline. Not counted in ClinVar's aggregate classification.